The following is an entry in ClinVar:

ClinVar aggregate classification (germline): Pathogenic. Review status: criteria provided, single submitter (1 of 4 stars). 2 submissions from 2 submitters: Pathogenic (1). 1 of the submissions does not count toward it. Last evaluated 2025-06-04.

Submissions (2):

GeneDx
Classification: Pathogenic. Last evaluated: 2025-06-04. Review status: criteria provided, single submitter. Criteria: GeneDx Variant Classification Process June 2021. Collection method: clinical testing. Allele origin: germline. Affected: yes.
Comment: Published functional studies demonstrate a damaging effect on protein function (PMID: 20128788); Located in the critical 1A domain just outside the helix initiation motif, which is highly conserved across species and among members of the keratin family (PMID:21176769); Not observed in large population cohorts (gnomAD); In silico analysis supports that this missense variant has a deleterious effect on protein structure/function; This variant is associated with the following publications: (PMID: 15099398, 20128788)

Epithelial Biology;  Institute of Medical Biology, Singapore
No classification provided. Review status: no classification provided. Collection method: not provided. Allele origin: not provided. Not counted in ClinVar's aggregate classification.

NM_000424.4(KRT5):c.549C>G (p.Ile183Met)

Gene: KRT5 (keratin 5; minus strand). Cytogenetic location: 12q13.13.
Variant type: single nucleotide variant.
Coding change: c.549C>G on transcript NM_000424.4 (MANE Select); coding-DNA position 549, C replaced by G.
Protein change: p.Ile183Met; replaces isoleucine 183 with methionine.
Molecular consequence: missense variant.
Genome position (GRCh38, 1-based): chr12:52,519,748, G>C on the plus strand (C>G on the coding strand, the complement: KRT5 is on the minus strand). VCF-style: chr12-52519748-G-C. GRCh37 (hg19) VCF-style: chr12-52913532-G-C.
Other names: short protein forms I183M.
Identifiers: ClinVar variation 66263 (VCV000066263.2), dbSNP rs267607443, ClinGen allele CA216758.
Genomic context (GRCh38, chr12:52,519,748, plus strand): 5'-CTTTGGCATTTATTTCAGACCCACAGTGATTTTTTACAAAAGATCGTAGCTCACCTTGTC[G>C]ATGAAGGAGGCAAACTTATTGTTGAGGGTCTTGATCTGCTCGCGCTCCTCGGTCCTCACC-3'
Protein context (NP_000415.2, residues 173-193): KTLNNKFASF[Ile183Met]DKVRFLEQQN